The following is an entry in ClinVar:

ClinVar aggregate classification (germline): Uncertain significance. Review status: reviewed by expert panel (3 of 4 stars). 4 submissions from 4 submitters: Uncertain significance (1). 3 of the submissions do not count toward it. Last evaluated 2024-08-27.

Conditions:
Mitochondrial complex IV deficiency, nuclear type 1 (MC4DN1). Also called: Mitochondrial complex IV deficiency; COX DEFICIENCY; Complex 4 mitochondrial respiratory chain deficiency; Deficiency of mitochondrial respiratory chain complex4; Complex IV deficiency. Identifiers: MedGen C5435656, MONDO:0700250, OMIM 220110. Disease mechanism: loss of function.
Mitochondrial disease. Also called: Mitochondrial disorder; Mitochondrial disorders. Identifiers: Orphanet 68380, MedGen C0751651, MeSH D028361, MONDO:0044970.
Mitochondrial non-syndromic sensorineural hearing loss. Also called: Nonsyndromic Hearing Loss and Deafness, Mitochondrial. Identifiers: Orphanet 90641, MedGen C3151897, MONDO:0010779, OMIM 500008.

Submissions (4):

ClinGen Mitochondrial Disease Nuclear and Mitochondrial  Variant Curation Expert Panel, ClinGen
Classification: Uncertain significance for Mitochondrial disease. Last evaluated: 2024-08-27. Review status: reviewed by expert panel. Criteria: clingen mito disease acmg specifications v1-1. Collection method: curation. Allele origin: germline. Inheritance: Mitochondrial inheritance.
Comment: The m.7505T>C variant in MT-TS1 has been reported in two families with primary mitochondrial disease. Affected individuals had nonsyndromic hearing loss (PMIDs: 20153673, 33638616). The variant was present at homoplasmy in affected and unaffected family members. There are no reported de novo occurrences of this variant. There is one homoplasmic occurrence of this variant in the Helix dataset and this variant is absent in the MITOMAP GenBank dataset and in gnomAD v3.1.2 (PM2_supporting). The computational predictor MitoTIP suggests this variant is pathogenic (58.6 percentile) and HmtVAR predicts it to be pathogenic score of 0.65 (PP3). Cybrid studies support the functional impact of this variant as they showed the variant was associated with decreased levels of tRNASer(UCN), altered conformation of the tRNA, altered stability of tRNASer(UCN), variable reductions of mitochondrial proteins, decreased enzymatic activities of mitochondrial respiratory chain complexes, decreased respiration, and increased reactive oxygen species (PS3_moderate; PMID: 20153673). In summary, this variant meets criteria to be classified as uncertain significance for primary mitochondrial disease inherited in a mitochondrial manner. This classification was approved by the NICHD/NINDS U24 ClinGen Mitochondrial Disease Variant Curation Expert Panel on August 27, 2024. Mitochondrial DNA-specific ACMG/AMP criteria applied (PMID: 32906214): PM2_supporting, PP3, PS3_moderate.

Mendelics
Classification: Pathogenic for Mitochondrial complex IV deficiency, nuclear type 1. Last evaluated: 2022-05-04. Review status: criteria provided, single submitter. Criteria: Mendelics Assertion Criteria 2019. Collection method: clinical testing. Allele origin: germline. Not counted in ClinVar's aggregate classification.

OMIM
Classification: Pathogenic for DEAFNESS, NONSYNDROMIC SENSORINEURAL, MITOCHONDRIAL. Last evaluated: 2010-05-01. Review status: no assertion criteria provided. Collection method: literature only. Allele origin: germline. Not counted in ClinVar's aggregate classification.

GeneReviews
No classification provided. Condition: Mitochondrial non-syndromic sensorineural hearing loss. Review status: no classification provided. Collection method: literature only. Allele origin: maternal. Not counted in ClinVar's aggregate classification.

Literature cited by the submitters: PubMed 20153673 (cited by 3 submitters); PubMed 20301595 (cited by GeneReviews).

NC_012920.1(MT-TS1):m.7505T>C

Gene: MT-TS1 (mitochondrially encoded tRNA serine 1 (UCN); minus strand).
Variant type: single nucleotide variant.
Genome position: chrM-7505-T-C.
Other names: 7505T-C.
Identifiers: ClinVar variation 40885 (VCV000040885.6), dbSNP rs724159989, ClinGen allele CA261262.